The following is an entry in ClinVar:

ClinVar aggregate classification (germline): Uncertain significance. Review status: criteria provided, multiple submitters, no conflicts (2 of 4 stars). 2 submissions from 2 submitters: Uncertain significance (2). Last evaluated 2024-07-17.

Conditions:
Hereditary cancer-predisposing syndrome. Also called: Neoplastic Syndromes, Hereditary; Hereditary Cancer Syndrome; Tumor predisposition; Hereditary neoplastic syndrome. Identifiers: Orphanet 140162, MedGen C0027672, MeSH D009386, MONDO:0015356.
Familial cancer of breast. Also called: BREAST CANCER, FAMILIAL; hereditary breast carcinoma; Hereditary breast cancer. Identifiers: Orphanet 227535, MedGen C0346153, MONDO:0016419, OMIM 114480. Disease mechanism: loss of function.
Fanconi anemia complementation group J. Also called: BRIP1-Related Fanconi Anemia. Identifiers: Orphanet 84, MedGen C1836860, MONDO:0012187, OMIM 609054.

Submissions (2):

Labcorp Genetics (formerly Invitae), Labcorp
Classification: Uncertain significance for Familial cancer of breast; Fanconi anemia complementation group J. Last evaluated: 2024-07-17. Review status: criteria provided, single submitter. Criteria: Invitae Variant Classification Sherloc (09022015). Collection method: clinical testing. Allele origin: germline.
Comment: This sequence change replaces asparagine, which is neutral and polar, with lysine, which is basic and polar, at codon 933 of the BRIP1 protein (p.Asn933Lys). This variant is not present in population databases (gnomAD no frequency). This variant has not been reported in the literature in individuals affected with BRIP1-related conditions. ClinVar contains an entry for this variant (Variation ID: 2564584). Advanced modeling of protein sequence and biophysical properties (such as structural, functional, and spatial information, amino acid conservation, physicochemical variation, residue mobility, and thermodynamic stability) performed at Invitae indicates that this missense variant is not expected to disrupt BRIP1 protein function with a negative predictive value of 80%. In summary, the available evidence is currently insufficient to determine the role of this variant in disease. Therefore, it has been classified as a Variant of Uncertain Significance.

Ambry Genetics
Classification: Uncertain significance for Hereditary cancer-predisposing syndrome. Last evaluated: 2023-04-18. Review status: criteria provided, single submitter. Criteria: Ambry Variant Classification Scheme 2023. Collection method: clinical testing. Allele origin: germline.
Comment: The p.N933K variant (also known as c.2799T>A), located in coding exon 18 of the BRIP1 gene, results from a T to A substitution at nucleotide position 2799. The asparagine at codon 933 is replaced by lysine, an amino acid with similar properties. This amino acid position is not well conserved in available vertebrate species. In addition, this alteration is predicted to be tolerated by in silico analysis. Since supporting evidence is limited at this time, the clinical significance of this alteration remains unclear.

NM_032043.3(BRIP1):c.2799T>A (p.Asn933Lys)

Gene: BRIP1 (BRCA1 interacting DNA helicase 1; minus strand). Cytogenetic location: 17q23.2.
Variant type: single nucleotide variant.
Coding change: c.2799T>A on transcript NM_032043.3 (MANE Select); coding-DNA position 2799, T replaced by A.
Protein change: p.Asn933Lys; replaces asparagine 933 with lysine.
Molecular consequence: missense variant.
Genome position (GRCh38, 1-based): chr17:61,685,942, A>T on the plus strand (T>A on the coding strand, the complement: BRIP1 is on the minus strand). VCF-style: chr17-61685942-A-T. GRCh37 (hg19) VCF-style: chr17-59763303-A-T.
Other names: short protein forms N933K.
Identifiers: ClinVar variation 2564584 (VCV002564584.4), dbSNP rs2144110883, ClinGen allele CA400481508.
Genomic context (GRCh38, chr17:61,685,942, plus strand): 5'-GGTAATAATTTTAGGACACTGTAGTTCCTGGACACATATCTTTGCTTCATCTTCCACAAA[A>T]TTTTCTGGTGATAGATGACTTGCTGCTTCCAGTAAATAAGGTGAGGTACTGTACTTTAAA-3'
Protein context (NP_114432.2, residues 923-943): LEAASHLSPE[Asn933Lys]FVEDEAKICV